The following is an entry in ClinVar:

NM_004370.6(COL12A1):c.3895C>T (p.Arg1299Ter)

Gene: COL12A1 (collagen type XII alpha 1 chain; minus strand). Cytogenetic location: 6q13.
Variant type: single nucleotide variant.
Coding change: c.3895C>T on transcript NM_004370.6 (MANE Select); coding-DNA position 3895, C replaced by T.
Protein change: p.Arg1299Ter; replaces arginine 1299 with a stop codon.
Molecular consequence: nonsense.
Genome position (GRCh38, 1-based): chr6:75,151,972, G>A on the plus strand (C>T on the coding strand, the complement: COL12A1 is on the minus strand). VCF-style: chr6-75151972-G-A. GRCh37 (hg19) VCF-style: chr6-75861688-G-A.
Other names: c.3895C>T, p.Arg1299Ter (NM_001424113.1, NM_001424114.1); c.3622C>T, p.Arg1208Ter (NM_001424115.1); c.403C>T, p.Arg135Ter (NM_001424116.1, NM_080645.3); short protein forms R1208*, R135*, R1299*.
Identifiers: ClinVar variation 4784948 (VCV004784948.3).

ClinVar aggregate classification (germline): Pathogenic/Likely pathogenic. Review status: criteria provided, multiple submitters, no conflicts (2 of 4 stars). 2 submissions from 2 submitters: Pathogenic (1); Likely pathogenic (1). Last evaluated 2025-07-12.

Conditions:
Bethlem myopathy 2 (BTHLM2). Identifiers: Orphanet 536516, Orphanet 610, MedGen C4225313, MONDO:0034022, OMIM 616471.
Ullrich congenital muscular dystrophy 2 (UCMD2). Identifiers: Orphanet 75840, MedGen C4225314, MONDO:0014654, OMIM 616470.

Submissions (2):

Labcorp Genetics (formerly Invitae), Labcorp
Classification: Pathogenic for Bethlem myopathy 2; Ullrich congenital muscular dystrophy 2. Last evaluated: 2025-07-12. Review status: criteria provided, single submitter. Criteria: Invitae Variant Classification Sherloc (09022015). Collection method: clinical testing. Allele origin: germline.
Comment: This sequence change creates a premature translational stop signal (p.Arg1299*) in the COL12A1 gene. It is expected to result in an absent or disrupted protein product. Loss-of-function variants in COL12A1 are known to be pathogenic (PMID: 24334604, 28973083). This variant is not present in population databases (gnomAD no frequency). This variant has not been reported in the literature in individuals affected with COL12A1-related conditions. For these reasons, this variant has been classified as Pathogenic.

Dasa
Classification: Likely pathogenic. Last evaluated: 2024-12-16. Review status: criteria provided, single submitter. Criteria: DASA Assertion Criteria. Collection method: clinical testing. Allele origin: germline.
Comment: NM_004370.6(COL12A1):c.3895C>T (p.Arg1299*) is a nonsense variant in COL12A1 predicted to introduce a premature termination codon and is predicted to result in an absent or altered protein product. Loss of function is an established disease mechanism for COL12A1-associated disorders. Also, this variant is rare in population databases. Based on the currently available evidence, this variant is classified as likely pathogenic.

Literature cited by the submitters: PubMed 24334604 (cited by Labcorp Genetics (formerly Invitae), Labcorp); PubMed 28973083 (cited by Labcorp Genetics (formerly Invitae), Labcorp).